The following is an entry in ClinVar:

ClinVar aggregate classification (germline): Likely benign (0 of 4 stars; one submission).

Conditions:
PKD1-related disorder. Also called: PKD1-related condition.

gnomAD v4.1: 3 of 1,589,090 alleles (0.00019%); highest among the groups gnomAD compares: Admixed American, 0.0053%; no homozygotes.

Submission:

PreventionGenetics, part of Exact Sciences
Classification: Likely benign for PKD1-related condition. Last evaluated: 2023-03-27. Review status: no assertion criteria provided. Collection method: clinical testing. Allele origin: germline.
Comment: This variant is classified as likely benign based on ACMG/AMP sequence variant interpretation guidelines (Richards et al. 2015 PMID: 25741868, with internal and published modifications).

NM_001009944.3(PKD1):c.9081A>T (p.Thr3027=)

Gene: PKD1 (polycystin 1, transient receptor potential channel interacting; minus strand). Cytogenetic location: 16p13.3.
Variant type: single nucleotide variant.
Coding change: c.9081A>T on transcript NM_001009944.3 (MANE Select); coding-DNA position 9081, A replaced by T.
Protein change: p.Thr3027=; no amino-acid change (threonine 3027 retained).
Molecular consequence: synonymous variant.
Genome position (GRCh38, 1-based): chr16:2,102,501, T>A on the plus strand (A>T on the coding strand, the complement: PKD1 is on the minus strand). VCF-style: chr16-2102501-T-A. GRCh37 (hg19) VCF-style: chr16-2152502-T-A.
Other names: c.9081A>T, p.Thr3027= (NM_000296.4).
Identifiers: ClinVar variation 3036983 (VCV003036983.2), dbSNP rs749046847, ClinGen allele CA7830201.